The following is an entry in ClinVar:

ClinVar aggregate classification (germline): Uncertain significance (1 of 4 stars; one submission).

Conditions:
Cardiovascular phenotype. Identifiers: MedGen CN230736.
Hereditary cancer-predisposing syndrome. Also called: Neoplastic Syndromes, Hereditary; Tumor predisposition; Hereditary Cancer Syndrome; Hereditary neoplastic syndrome. Identifiers: Orphanet 140162, MedGen C0027672, MeSH D009386, MONDO:0015356.

Submission:

Ambry Genetics
Classification: Uncertain significance for Cardiovascular phenotype; Hereditary cancer-predisposing syndrome. Last evaluated: 2025-12-14. Review status: criteria provided, single submitter. Criteria: Ambry Variant Classification Scheme 2023. Collection method: clinical testing. Allele origin: germline.
Comment: The p.H272Q variant (also known as c.816C>A), located in coding exon 9 of the LZTR1 gene, results from a C to A substitution at nucleotide position 816. The histidine at codon 272 is replaced by glutamine, an amino acid with highly similar properties. This amino acid position is conserved. In addition, this alteration is predicted to be tolerated by in silico analysis. Based on the available evidence, the clinical significance of this variant remains unclear.

NM_006767.4(LZTR1):c.816C>A (p.His272Gln)

Gene: LZTR1 (leucine zipper like post translational regulator 1; plus strand). Cytogenetic location: 22q11.21.
Variant type: single nucleotide variant.
Coding change: c.816C>A on transcript NM_006767.4 (MANE Select); coding-DNA position 816, C replaced by A.
Protein change: p.His272Gln; replaces histidine 272 with glutamine.
Molecular consequence: missense variant.
Genome position (GRCh38, 1-based): chr22:20,991,652, C>A. VCF-style: chr22-20991652-C-A. GRCh37 (hg19) VCF-style: chr22-21345941-C-A.
Other names: short protein forms H272Q.
Identifiers: ClinVar variation 4615682 (VCV004615682.1).